The following is an entry in ClinVar:

ClinVar aggregate classification (germline): Uncertain significance (0 of 4 stars; one submission).

Conditions:
KDM5C-related disorder. Also called: KDM5C-related condition.

Submission:

PreventionGenetics, part of Exact Sciences
Classification: Uncertain significance for KDM5C-related condition. Last evaluated: 2024-08-27. Review status: no assertion criteria provided. Collection method: clinical testing. Allele origin: germline.
Comment: The KDM5C c.1682C>T variant is predicted to result in the amino acid substitution p.Pro561Leu. To our knowledge, this variant has not been reported in the literature or in a large population database, indicating this variant is rare. At this time, the clinical significance of this variant is uncertain due to the absence of conclusive functional and genetic evidence.

NM_004187.5(KDM5C):c.1682C>T (p.Pro561Leu)

Gene: KDM5C (lysine demethylase 5C; minus strand). Cytogenetic location: Xp11.22.
Variant type: single nucleotide variant.
Coding change: c.1682C>T on transcript NM_004187.5 (MANE Select); coding-DNA position 1682, C replaced by T.
Protein change: p.Pro561Leu; replaces proline 561 with leucine.
Molecular consequence: missense variant. On other transcripts: non-coding transcript variant (3).
Genome position (GRCh38, 1-based): chrX:53,210,478, G>A on the plus strand (C>T on the coding strand, the complement: KDM5C is on the minus strand). VCF-style: chrX-53210478-G-A. GRCh37 (hg19) VCF-style: chrX-53239660-G-A.
Other names: c.1481C>T, p.Pro494Leu (NM_001146702.2); c.1679C>T, p.Pro560Leu (NM_001282622.3, NM_001353979.2, NM_001353982.2); c.1682C>T, p.Pro561Leu (NM_001353978.3, NM_001353981.2, NM_001353984.2); short protein forms P494L, P560L, P561L.
Identifiers: ClinVar variation 3347945 (VCV003347945.1).